The following is an entry in ClinVar:

NM_000322.5(PRPH2):c.253G>A (p.Ala85Thr)

Gene: PRPH2 (peripherin 2; minus strand). Cytogenetic location: 6p21.1.
Variant type: single nucleotide variant.
Coding change: c.253G>A on transcript NM_000322.5 (MANE Select); coding-DNA position 253, G replaced by A.
Protein change: p.Ala85Thr; replaces alanine 85 with threonine.
Molecular consequence: missense variant.
Genome position (GRCh38, 1-based): chr6:42,722,082, C>T on the plus strand (G>A on the coding strand, the complement: PRPH2 is on the minus strand). VCF-style: chr6-42722082-C-T. GRCh37 (hg19) VCF-style: chr6-42689820-C-T.
Other names: short protein forms A85T.
Identifiers: ClinVar variation 1175211 (VCV001175211.9), dbSNP rs760311433, ClinGen allele CA3808643.

ClinVar aggregate classification (germline): Uncertain significance. Review status: criteria provided, single submitter (1 of 4 stars). 2 submissions from 2 submitters: Uncertain significance (1). 1 of the submissions does not count toward it. Last evaluated 2024-03-09.

Conditions:
PRPH2-related disorder. Also called: PRPH2-related disorders; PRPH2-related condition. Identifiers: MedGen CN239395.

Allele frequency attached by ClinVar (database versions not stated): ExAC 0.00001; gnomAD 0.00001; gnomAD exomes 0.00001 and 0.00002; TOPMed 0.00002.
gnomAD v4.1: 17 of 1,614,026 alleles (0.0011%); highest among the groups gnomAD compares: Admixed American, 0.0083%; no homozygotes.

Submissions (2):

Labcorp Genetics (formerly Invitae), Labcorp
Classification: Uncertain significance for PRPH2-related disorder. Last evaluated: 2024-03-09. Review status: criteria provided, single submitter. Criteria: Invitae Variant Classification Sherloc (09022015). Collection method: clinical testing. Allele origin: germline.
Comment: This sequence change replaces alanine, which is neutral and non-polar, with threonine, which is neutral and polar, at codon 85 of the PRPH2 protein (p.Ala85Thr). This variant is present in population databases (rs760311433, gnomAD 0.01%). This missense change has been observed in individual(s) with macular dystrophy (PMID: 34411390). ClinVar contains an entry for this variant (Variation ID: 1175211). Advanced modeling of protein sequence and biophysical properties (such as structural, functional, and spatial information, amino acid conservation, physicochemical variation, residue mobility, and thermodynamic stability) performed at Invitae indicates that this missense variant is not expected to disrupt PRPH2 protein function with a negative predictive value of 95%. In summary, the available evidence is currently insufficient to determine the role of this variant in disease. Therefore, it has been classified as a Variant of Uncertain Significance.

Leiden Open Variation Database
Classification: Uncertain significance. Last evaluated: 2021-04-06. Review status: no assertion criteria provided. Collection method: curation. Allele origin: germline. Affected: yes. Not counted in ClinVar's aggregate classification.
Comment: Curator: Global Variome, with Curator vacancy. Submitter to LOVD: Manon Peeters.

Literature cited by the submitters: PubMed 34411390 (cited by Labcorp Genetics (formerly Invitae), Labcorp).